The following is an entry in ClinVar:

NM_144643.4(SCLT1):c.325A>C (p.Lys109Gln)

Gene: SCLT1 (sodium channel and clathrin linker 1; minus strand). Cytogenetic location: 4q28.2.
Variant type: single nucleotide variant.
Coding change: c.325A>C on transcript NM_144643.4 (MANE Select); coding-DNA position 325, A replaced by C.
Protein change: p.Lys109Gln; replaces lysine 109 with glutamine.
Molecular consequence: missense variant.
Genome position (GRCh38, 1-based): chr4:129,003,842, T>G on the plus strand (A>C on the coding strand, the complement: SCLT1 is on the minus strand). VCF-style: chr4-129003842-T-G. GRCh37 (hg19) VCF-style: chr4-129924997-T-G.
Other names: c.325A>C (NM_144643.2, NM_144643.3); short protein forms K109Q.
Identifiers: ClinVar variation 1385565 (VCV001385565.8), dbSNP rs376838042, ClinGen allele CA3079984.

ClinVar aggregate classification (germline): Conflicting classifications of pathogenicity. Review status: criteria provided, conflicting classifications (1 of 4 stars). 3 submissions from 3 submitters: Uncertain significance (2); Likely benign (1). Last evaluated 2026-04-16.

Conditions:
SCLT1-related disorder. Also called: SCLT1-related condition.

Allele frequency attached by ClinVar (database versions not stated): gnomAD exomes 0.00001 and 0.00002; ExAC 0.00003; ESP Exome Variant Server 0.00008; TOPMed 0.00015; gnomAD 0.00021 and 0.00022.
gnomAD v4.1: 48 of 1,612,620 alleles (0.003%); highest among the groups gnomAD compares: African/African-American, 0.063%; no homozygotes.

Submissions (3):

PreventionGenetics, part of Exact Sciences
Classification: Uncertain significance for SCLT1-related condition. Last evaluated: 2026-04-16. Review status: criteria provided, single submitter. Criteria: ACMG Guidelines, 2015. Collection method: clinical testing. Allele origin: germline.
Comment: The SCLT1 c.325A>C variant is predicted to result in the amino acid substitution p.Lys109Gln. To our knowledge, this variant has not been reported in the literature. This variant is reported in 0.052% of alleles in individuals of African descent in gnomAD, which may be too frequent to be a primary cause of disease. Although we suspect that this variant may be benign, at this time, the clinical significance of this variant is uncertain due to the absence of conclusive functional and genetic evidence.

Ambry Genetics
Classification: Likely benign. Last evaluated: 2025-01-18. Review status: criteria provided, single submitter. Criteria: Ambry Variant Classification Scheme 2023. Collection method: clinical testing. Allele origin: germline.

Labcorp Genetics (formerly Invitae), Labcorp
Classification: Uncertain significance. Last evaluated: 2022-10-13. Review status: criteria provided, single submitter. Criteria: Invitae Variant Classification Sherloc (09022015). Collection method: clinical testing. Allele origin: germline.
Comment: This sequence change replaces lysine, which is basic and polar, with glutamine, which is neutral and polar, at codon 109 of the SCLT1 protein (p.Lys109Gln). This variant is present in population databases (rs376838042, gnomAD 0.05%). This variant has not been reported in the literature in individuals affected with SCLT1-related conditions. ClinVar contains an entry for this variant (Variation ID: 1385565). Algorithms developed to predict the effect of missense changes on protein structure and function output the following: SIFT: "Tolerated"; PolyPhen-2: "Benign"; Align-GVGD: "Class C0". The glutamine amino acid residue is found in multiple mammalian species, which suggests that this missense change does not adversely affect protein function. In summary, the available evidence is currently insufficient to determine the role of this variant in disease. Therefore, it has been classified as a Variant of Uncertain Significance.